The following is an entry in ClinVar:

NM_003859.3(DPM1):c.495-195G>C

Genes: ADNP-AS1 (ADNP antisense RNA 1; plus strand), DPM1 (dolichyl-phosphate mannosyltransferase subunit 1, catalytic; minus strand). Cytogenetic location: 20q13.13.
Variant type: single nucleotide variant.
Coding change: c.495-195G>C on transcript NM_003859.3 (MANE Select); 195 bases into the intron before coding-DNA position 495, G replaced by C.
Molecular consequence: intron variant. On other transcripts: missense variant (1), splice donor variant (1).
Genome position (GRCh38, 1-based): chr20:50,941,128, C>G on the plus strand (G>C on the coding strand, the complement: DPM1 is on the minus strand). VCF-style: chr20-50941128-C-G. GRCh37 (hg19) VCF-style: chr20-49557665-C-G.
Other names: c.576G>C, p.Arg192Ser (NM_001317034.1); c.494+903G>C (NM_001317036.1); c.575+1G>C (NM_001317035.1); short protein forms R192S.
Identifiers: ClinVar variation 1675243 (VCV001675243.4), dbSNP rs185402578, ClinGen allele CA9909080.

ClinVar aggregate classification (germline): Likely benign. Review status: criteria provided, single submitter (1 of 4 stars). 2 submissions from 2 submitters: Likely benign (1). 1 of the submissions does not count toward it. Last evaluated 2021-10-02.

Conditions:
DPM1-related disorder. Also called: DPM1-related condition.

Allele frequency attached by ClinVar (database versions not stated): 1000 Genomes Project 0.00020; gnomAD 0.00022 and 0.00024; TOPMed 0.00029; 1000 Genomes Project 30x 0.00047; gnomAD exomes 0.00047 and 0.00098; ExAC 0.00075.
gnomAD v4.1: 264 of 632,110 alleles (0.042%); highest among the groups gnomAD compares: East Asian, 0.69%; 1 homozygote.

Submissions (2):

GeneDx
Classification: Likely benign. Last evaluated: 2021-10-02. Review status: criteria provided, single submitter. Criteria: GeneDx Variant Classification Process June 2021. Collection method: clinical testing. Allele origin: germline. Affected: yes.

PreventionGenetics, part of Exact Sciences
Classification: Benign for DPM1-related condition. Last evaluated: 2019-05-22. Review status: no assertion criteria provided. Collection method: clinical testing. Allele origin: germline. Not counted in ClinVar's aggregate classification.
Comment: This variant is classified as benign based on ACMG/AMP sequence variant interpretation guidelines (Richards et al. 2015 PMID: 25741868, with internal and published modifications).